The following is an entry in ClinVar:

NM_002968.3(SALL1):c.1741A>C (p.Ser581Arg)

Gene: SALL1 (spalt like transcription factor 1; minus strand). Cytogenetic location: 16q12.1.
Variant type: single nucleotide variant.
Coding change: c.1741A>C on transcript NM_002968.3 (MANE Select); coding-DNA position 1741, A replaced by C.
Protein change: p.Ser581Arg; replaces serine 581 with arginine.
Molecular consequence: missense variant.
Genome position (GRCh38, 1-based): chr16:51,140,481, T>G on the plus strand (A>C on the coding strand, the complement: SALL1 is on the minus strand). VCF-style: chr16-51140481-T-G. GRCh37 (hg19) VCF-style: chr16-51174392-T-G.
Other names: c.1450A>C, p.Ser484Arg (NM_001127892.2); short protein forms S484R, S581R.
Identifiers: ClinVar variation 3362839 (VCV003362839.3).

ClinVar aggregate classification (germline): Uncertain significance (1 of 4 stars; one submission).

Conditions:
Townes-Brocks syndrome 1 (TBS1). Also called: DEAFNESS, SENSORINEURAL, WITH IMPERFORATE ANUS AND THUMB ANOMALIES; REAR SYNDROME; RENAL-EAR-ANAL-RADIAL SYNDROME; SALL1-Related Townes-Brocks Syndrome. Identifiers: Orphanet 857, MedGen C4551481, MONDO:0054581, OMIM 107480.

Submission:

Neuberg Centre For Genomic Medicine, NCGM
Classification: Uncertain significance for Townes-Brocks syndrome 1. Review status: criteria provided, single submitter. Criteria: ACMG Guidelines, 2015. Collection method: clinical testing. Allele origin: germline. Inheritance: Autosomal dominant inheritance. Affected: yes.
Comment: The observed missense c.1741A>C (p.Ser581Arg) variant in SALL1 gene has not been reported previously as a pathogenic variant nor as a benign variant, to our knowledge. The p.Ser581Arg variant is absent in gnomAD Exomes. This variant has not been submitted to the ClinVar database. Multiple lines of computational evidence (Polyphen - Possibly Damaging, SIFT - Damaging and MutationTaster - Disease causing) predict a damaging effect on protein structure and function for this variant. The reference amino acid of p.Ser581Arg in SALL1 is predicted as conserved by GERP++ and PhyloP across 100 vertebrates. The amino acid Ser at position 581 is changed to a Arg changing protein sequence and it might alter its composition and physico-chemical properties. For these reasons, this variant has been classified as a Variant of Uncertain Significance (VUS).